The following is an entry in ClinVar:

ClinVar aggregate classification (germline): Uncertain significance (1 of 4 stars; one submission).

Allele frequency attached by ClinVar (database versions not stated): gnomAD 0.00001; gnomAD exomes below 0.00001.
gnomAD v4.1: 2 of 1,606,440 alleles (0.00012%); highest among the groups gnomAD compares: Non-Finnish European, 0.00017%; no homozygotes.

Submission:

Labcorp Genetics (formerly Invitae), Labcorp
Classification: Uncertain significance. Last evaluated: 2025-06-12. Review status: criteria provided, single submitter. Criteria: Invitae Variant Classification Sherloc (09022015). Collection method: clinical testing. Allele origin: germline.
Comment: This sequence change replaces cysteine, which is neutral and slightly polar, with phenylalanine, which is neutral and non-polar, at codon 136 of the SLC25A32 protein (p.Cys136Phe). This variant is not present in population databases (gnomAD no frequency). This variant has not been reported in the literature in individuals affected with SLC25A32-related conditions. ClinVar contains an entry for this variant (Variation ID: 2780385). Invitae Evidence Modeling of protein sequence and biophysical properties (such as structural, functional, and spatial information, amino acid conservation, physicochemical variation, residue mobility, and thermodynamic stability) indicates that this missense variant is not expected to disrupt SLC25A32 protein function with a negative predictive value of 80%. In summary, the available evidence is currently insufficient to determine the role of this variant in disease. Therefore, it has been classified as a Variant of Uncertain Significance.

NM_030780.5(SLC25A32):c.407G>T (p.Cys136Phe)

Gene: SLC25A32 (solute carrier family 25 member 32; minus strand). Cytogenetic location: 8q22.3.
Variant type: single nucleotide variant.
Coding change: c.407G>T on transcript NM_030780.5 (MANE Select); coding-DNA position 407, G replaced by T.
Protein change: p.Cys136Phe; replaces cysteine 136 with phenylalanine.
Molecular consequence: missense variant. On other transcripts: non-coding transcript variant (2).
Genome position (GRCh38, 1-based): chr8:103,403,309, C>A on the plus strand (G>T on the coding strand, the complement: SLC25A32 is on the minus strand). VCF-style: chr8-103403309-C-A. GRCh37 (hg19) VCF-style: chr8-104415537-C-A.
Other names: short protein forms C136F.
Identifiers: ClinVar variation 2780385 (VCV002780385.3), dbSNP rs1355155048, ClinGen allele CA371625757.